The following is an entry in ClinVar:

ClinVar aggregate classification (germline): Likely benign (1 of 4 stars; one submission).

gnomAD v4.1: 149 of 1,611,460 alleles (0.0092%); highest among the groups gnomAD compares: African/African-American, 0.068%; no homozygotes.

Submission:

CeGaT Center for Human Genetics Tuebingen
Classification: Likely benign. Last evaluated: 2026-05-01. Review status: criteria provided, single submitter. Criteria: CeGaT Center For Human Genetics Tuebingen Variant Classification Criteria Version 2. Collection method: clinical testing. Allele origin: germline. Affected: yes. Observed: 3 variant alleles.
Comment: LINGO1: BP4, BP7

NM_032808.7(LINGO1):c.327C>T (p.Ala109=)

Gene: LINGO1 (leucine rich repeat and Ig domain containing 1; minus strand). Cytogenetic location: 15q24.3.
Variant type: single nucleotide variant.
Coding change: c.327C>T on transcript NM_032808.7 (MANE Select); coding-DNA position 327, C replaced by T.
Protein change: p.Ala109=; no amino-acid change (alanine 109 retained).
Molecular consequence: synonymous variant.
Genome position (GRCh38, 1-based): chr15:77,615,580, G>A on the plus strand (C>T on the coding strand, the complement: LINGO1 is on the minus strand). VCF-style: chr15-77615580-G-A. GRCh37 (hg19) VCF-style: chr15-77907922-G-A.
Other names: c.309C>T, p.Ala103= (NM_001301186.2, NM_001301187.2, NM_001301189.2 and 8 more transcripts).
Identifiers: ClinVar variation 3341796 (VCV003341796.16).